The following is an entry in ClinVar:

ClinVar aggregate classification (germline): Uncertain significance (1 of 4 stars; one submission).

Conditions:
Nephronophthisis 15 (NPHP15). Identifiers: Orphanet 3156, MedGen C3541853, MONDO:0013917, OMIM 614845.

Submission:

Labcorp Genetics (formerly Invitae), Labcorp
Classification: Uncertain significance for Nephronophthisis 15. Last evaluated: 2021-11-28. Review status: criteria provided, single submitter. Criteria: Invitae Variant Classification Sherloc (09022015). Collection method: clinical testing. Allele origin: germline.
Comment: This sequence change replaces proline, which is neutral and non-polar, with alanine, which is neutral and non-polar, at codon 1377 of the CEP164 protein (p.Pro1377Ala). This variant is not present in population databases (gnomAD no frequency). This variant has not been reported in the literature in individuals affected with CEP164-related conditions. Algorithms developed to predict the effect of missense changes on protein structure and function are either unavailable or do not agree on the potential impact of this missense change (SIFT: "Tolerated"; PolyPhen-2: "Probably Damaging"; Align-GVGD: "Class C0"). In summary, the available evidence is currently insufficient to determine the role of this variant in disease. Therefore, it has been classified as a Variant of Uncertain Significance.

NM_014956.5(CEP164):c.4129C>G (p.Pro1377Ala)

Gene: CEP164 (centrosomal protein 164; plus strand). Cytogenetic location: 11q23.3.
Variant type: single nucleotide variant.
Coding change: c.4129C>G on transcript NM_014956.5 (MANE Select); coding-DNA position 4129, C replaced by G.
Protein change: p.Pro1377Ala; replaces proline 1377 with alanine.
Molecular consequence: missense variant.
Genome position (GRCh38, 1-based): chr11:117,410,860, C>G. VCF-style: chr11-117410860-C-G. GRCh37 (hg19) VCF-style: chr11-117281576-C-G.
Other names: c.4114C>G, p.Pro1372Ala (NM_001271933.2); short protein forms P1372A, P1377A.
Identifiers: ClinVar variation 2013788 (VCV002013788.4), dbSNP rs1360360360, ClinGen allele CA382745668.